The following is an entry in ClinVar:

NM_031935.3(HMCN1):c.14312G>A (p.Arg4771Gln)

Gene: HMCN1 (hemicentin 1; plus strand). Cytogenetic location: 1q31.1.
Variant type: single nucleotide variant.
Coding change: c.14312G>A on transcript NM_031935.3 (MANE Select); coding-DNA position 14312, G replaced by A.
Protein change: p.Arg4771Gln; replaces arginine 4771 with glutamine.
Molecular consequence: missense variant.
Genome position (GRCh38, 1-based): chr1:186,145,448, G>A. VCF-style: chr1-186145448-G-A. GRCh37 (hg19) VCF-style: chr1-186114580-G-A.
Other names: short protein forms R4771Q.
Identifiers: ClinVar variation 2047119 (VCV002047119.4), dbSNP rs141397809, ClinGen allele CA1294917.
Genomic context (GRCh38, chr1:186,145,448, plus strand): 5'-TATTCTGTCTTGTAGCCCATGGTAACTGGAGTCCTTGGAGTGGCTGGGGAACATGCAGCC[G>A]GACGTGTAACGGAGGGCAGATGCGGCGGTACCGCACATGTGATAACCCTCCTCCCTCCAA-3'
Protein context (NP_114141.2, residues 4761-4781): SPWSGWGTCS[Arg4771Gln]TCNGGQMRRY

ClinVar aggregate classification (germline): Uncertain significance (1 of 4 stars; one submission).

Allele frequency attached by ClinVar (database versions not stated): gnomAD exomes 0.00002; ESP Exome Variant Server 0.00008; gnomAD 0.00004; ExAC 0.00003; TOPMed 0.00005.
gnomAD v4.1: 33 of 1,602,816 alleles (0.0021%); highest among the groups gnomAD compares: Middle Eastern, 0.017%; no homozygotes.

Submission:

Labcorp Genetics (formerly Invitae), Labcorp
Classification: Uncertain significance. Last evaluated: 2024-10-16. Review status: criteria provided, single submitter. Criteria: Invitae Variant Classification Sherloc (09022015). Collection method: clinical testing. Allele origin: germline.
Comment: This sequence change replaces arginine, which is basic and polar, with glutamine, which is neutral and polar, at codon 4771 of the HMCN1 protein (p.Arg4771Gln). This variant is present in population databases (rs141397809, gnomAD 0.009%). This variant has not been reported in the literature in individuals affected with HMCN1-related conditions. ClinVar contains an entry for this variant (Variation ID: 2047119). An algorithm developed to predict the effect of missense changes on protein structure and function (PolyPhen-2) suggests that this variant is likely to be disruptive. In summary, the available evidence is currently insufficient to determine the role of this variant in disease. Therefore, it has been classified as a Variant of Uncertain Significance.